The following is an entry in ClinVar:

ClinVar aggregate classification (germline): Pathogenic (1 of 4 stars; one submission).

Conditions:
Hereditary cancer-predisposing syndrome. Also called: Hereditary Cancer Syndrome; Neoplastic Syndromes, Hereditary; Hereditary neoplastic syndrome; Tumor predisposition. Identifiers: Orphanet 140162, MedGen C0027672, MeSH D009386, MONDO:0015356.

Submission:

Ambry Genetics
Classification: Pathogenic for Hereditary cancer-predisposing syndrome. Last evaluated: 2021-02-01. Review status: criteria provided, single submitter. Criteria: Ambry Variant Classification Scheme 2023. Collection method: clinical testing. Allele origin: germline.
Comment: The c.336delC pathogenic mutation, located in coding exon 1 of the MEN1 gene, results from a deletion of one nucleotide at nucleotide position 336, causing a translational frameshift with a predicted alternate stop codon (p.S113Pfs*6). This alteration is expected to result in loss of function by premature protein truncation or nonsense-mediated mRNA decay. As such, this alteration is interpreted as a disease-causing mutation.

NM_001370259.2(MEN1):c.336del (p.Ser113fs)

Gene: MEN1 (menin 1; minus strand). Cytogenetic location: 11q13.1.
Variant type: Deletion.
Coding change: c.336del on transcript NM_001370259.2 (MANE Select); coding-DNA position 336, one base deleted (C; older notation c.336delC).
Protein change: p.Ser113fs; shifts the reading frame from serine 113.
Molecular consequence: frameshift variant.
Genome position (GRCh38, 1-based): chr11:64,809,774, G deleted on the plus strand (C on the coding strand, the reverse complement: MEN1 is on the minus strand). VCF-style (leftmost placement, unchanged base first): chr11-64809773-AG-A. GRCh37 (hg19) VCF-style: chr11-64577245-AG-A.
Other names: c.336delC (NM_130799.2); c.336del, p.Ser113fs (NM_000244.4, NM_001370251.2, NM_001370260.2 and 9 more transcripts); short protein forms S113fs.
Identifiers: ClinVar variation 428013 (VCV000428013.6), dbSNP rs1114167478, ClinGen allele CA645369559.
Genomic context (GRCh38, chr11:64,809,773, plus strand): 5'-AGGAGCGGCTGAGGCTGTTCCATATGACATCGGAGACCTTCTTCACCAGCTCACGGCTGG[AG>A]ACACCCCCTTCTCGAGGATAGAGGGACAGGTCGACGGCGCCTCGGATCTGGGCGGTGAAG-3'